The following is an entry in ClinVar:

ClinVar aggregate classification (germline): Uncertain significance (1 of 4 stars; one submission).

Conditions:
Duchenne muscular dystrophy (DMD). Also called: Duchenne Muscular Dystrophy (DMD); MUSCULAR DYSTROPHY, PSEUDOHYPERTROPHIC PROGRESSIVE, DUCHENNE TYPE. Identifiers: Orphanet 98896, MedGen C0013264, MONDO:0010679, OMIM 310200.

Submission:

Labcorp Genetics (formerly Invitae), Labcorp
Classification: Uncertain significance for Duchenne muscular dystrophy. Last evaluated: 2022-10-13. Review status: criteria provided, single submitter. Criteria: Invitae Variant Classification Sherloc (09022015). Collection method: clinical testing. Allele origin: germline.
Comment: This sequence change falls in intron 26 of the DMD gene. It does not directly change the encoded amino acid sequence of the DMD protein. It affects a nucleotide within the consensus splice site. In summary, the available evidence is currently insufficient to determine the role of this variant in disease. Therefore, it has been classified as a Variant of Uncertain Significance. This variant disrupts the c.3603+3A nucleotide in the DMD gene. Other variant(s) that disrupt this nucleotide have been determined to be pathogenic (PMID: 16770791, 19230662, 21515508). This suggests that this nucleotide is clinically significant, and that variants that disrupt this position are likely to be disease-causing. Variants that disrupt the consensus splice site are a relatively common cause of aberrant splicing (PMID: 17576681, 9536098). Algorithms developed to predict the effect of sequence changes on RNA splicing suggest that this variant may disrupt the consensus splice site. ClinVar contains an entry for this variant (Variation ID: 1495411). This variant has been observed in individual(s) with clinical features of DMD-related disorders (Invitae). This variant is not present in population databases (gnomAD no frequency).

Literature cited by the submitters: PubMed 16770791; PubMed 19230662; PubMed 21515508; PubMed 17576681; PubMed 9536098.

NM_004006.3(DMD):c.3603+2_3603+3insC

Gene: DMD (dystrophin; minus strand). Cytogenetic location: Xp21.1.
Variant type: Insertion.
Coding change: c.3603+2_3603+3insC on transcript NM_004006.3 (MANE Select); the canonical splice donor site of the intron after coding-DNA position 3603 through 3 bases into the intron after coding-DNA position 3603, C inserted.
Molecular consequence: splice donor variant.
Genome position: GRCh38 VCF-style: chrX-32454659-T-TG. GRCh37 (hg19) VCF-style: chrX-32472776-T-TG.
Other names: c.3579+2_3579+3insC (NM_000109.4); c.3591+2_3591+3insC (NM_004009.3); c.3234+2_3234+3insC (NM_004010.3).
Identifiers: ClinVar variation 1495411 (VCV001495411.6), dbSNP rs1603633860, ClinGen allele CA2573158576.